The following is an entry in ClinVar:

NM_001375524.1(TRRAP):c.10089C>T (p.Ser3363=)

Gene: TRRAP (transformation/transcription domain associated protein; plus strand). Cytogenetic location: 7q22.1.
Variant type: single nucleotide variant.
Coding change: c.10089C>T on transcript NM_001375524.1 (MANE Select); coding-DNA position 10089, C replaced by T.
Protein change: p.Ser3363=; no amino-acid change (serine 3363 retained).
Molecular consequence: synonymous variant.
Genome position (GRCh38, 1-based): chr7:98,994,628, C>T. VCF-style: chr7-98994628-C-T. GRCh37 (hg19) VCF-style: chr7-98592251-C-T.
Other names: c.10047C>T, p.Ser3349= (NM_001244580.2); c.9960C>T, p.Ser3320= (NM_003496.4).
Identifiers: ClinVar variation 2083179 (VCV002083179.29), dbSNP rs1048482022, ClinGen allele CA163088881.
Genomic context (GRCh38, chr7:98,994,628, plus strand): 5'-TCTGGCTCTTTTCTACCAGGTTCTCAGGCAGCTCCAACAGGGCCTGGCGAAATGTTACTC[C>T]GTGGCGTTTGAGAAAAGTGGAGCGGTGTCCGATGCTAAAATCACCCCCCACACTCTCAAT-3'
Protein context (NP_001362453.1, residues 3353-3373): QLQQGLAKCY[Ser3363=]VAFEKSGAVS

ClinVar aggregate classification (germline): Likely benign. Review status: criteria provided, multiple submitters, no conflicts (2 of 4 stars). 3 submissions from 3 submitters: Likely benign (3). Last evaluated 2026-06-01.

Allele frequency attached by ClinVar (database versions not stated): TOPMed 0.00002.
gnomAD v4.1: 12 of 1,614,192 alleles (0.00074%); highest among the groups gnomAD compares: Admixed American, 0.005%; no homozygotes.

Submissions (3):

CeGaT Center for Human Genetics Tuebingen
Classification: Likely benign. Last evaluated: 2026-06-01. Review status: criteria provided, single submitter. Criteria: CeGaT Center For Human Genetics Tuebingen Variant Classification Criteria Version 2. Collection method: clinical testing. Allele origin: germline. Affected: yes. Observed: 2 variant alleles.
Comment: TRRAP: BP4, BP7

Labcorp Genetics (formerly Invitae), Labcorp
Classification: Likely benign. Last evaluated: 2022-11-03. Review status: criteria provided, single submitter. Criteria: Invitae Variant Classification Sherloc (09022015). Collection method: clinical testing. Allele origin: germline.

Blueprint Genetics
Classification: Likely benign. Last evaluated: 2021-04-26. Review status: criteria provided, single submitter. Criteria: ACMG Guidelines, 2015. Collection method: clinical testing. Allele origin: germline.